The following is an entry in ClinVar:

ClinVar aggregate classification (germline): Uncertain significance (0 of 4 stars; one submission).

Conditions:
HDAC4-related disorder. Also called: HDAC4-related condition.

Allele frequency attached by ClinVar (database versions not stated): gnomAD exomes below 0.00001.
gnomAD v4.1: 1 of 1,614,058 alleles (0.000062%); highest among the groups gnomAD compares: Non-Finnish European, 0.000085%; no homozygotes.

Submission:

PreventionGenetics, part of Exact Sciences
Classification: Uncertain significance for HDAC4-related condition. Last evaluated: 2023-10-22. Review status: no assertion criteria provided. Collection method: clinical testing. Allele origin: germline.
Comment: The HDAC4 c.886C>T variant is predicted to result in the amino acid substitution p.Pro296Ser. To our knowledge, this variant has not been reported in the literature or in a large population database, indicating this variant is rare. At this time, the clinical significance of this variant is uncertain due to the absence of conclusive functional and genetic evidence.

NM_001378414.1(HDAC4):c.886C>T (p.Pro296Ser)

Gene: HDAC4 (histone deacetylase 4; minus strand). Cytogenetic location: 2q37.3.
Variant type: single nucleotide variant.
Coding change: c.886C>T on transcript NM_001378414.1 (MANE Select); coding-DNA position 886, C replaced by T.
Protein change: p.Pro296Ser; replaces proline 296 with serine.
Molecular consequence: missense variant.
Genome position (GRCh38, 1-based): chr2:239,139,776, G>A on the plus strand (C>T on the coding strand, the complement: HDAC4 is on the minus strand). VCF-style: chr2-239139776-G-A. GRCh37 (hg19) VCF-style: chr2-240061472-G-A.
Other names: c.886C>T, p.Pro296Ser (NM_001378415.1, NM_001378416.1, NM_001378417.1 and 1 more transcripts); short protein forms P296S.
Identifiers: ClinVar variation 3054909 (VCV003054909.2), dbSNP rs568906969, ClinGen allele CA68008685.
Genomic context (GRCh38, chr2:239,139,776, plus strand): 5'-TACCGTTCTCCGCGCTGACGCTCCCGGAGCTGTTGTTGGGTGAGCTGGGTCCGGAGCCTG[G>A]GGCGCTGCTGCACGCGGAGTCTGCGGAGGCAGAAATACCCTGGTGAGTGTTACTCCATGC-3'
Protein context (NP_001365343.1, residues 286-306): DVTDSACSSA[Pro296Ser]GSGPSSPNNS